The following is an entry in ClinVar:

NM_001007525.5(NWD1):c.4060G>A (p.Val1354Met)

Gene: NWD1 (NACHT and WD repeat domain containing 1; plus strand). Cytogenetic location: 19p13.11.
Variant type: single nucleotide variant.
Coding change: c.4060G>A on transcript NM_001007525.5 (MANE Select); coding-DNA position 4060, G replaced by A.
Protein change: p.Val1354Met; replaces valine 1354 with methionine.
Molecular consequence: missense variant.
Genome position (GRCh38, 1-based): chr19:16,807,909, G>A. VCF-style: chr19-16807909-G-A. GRCh37 (hg19) VCF-style: chr19-16918720-G-A.
Other names: c.3655G>A, p.Val1219Met (NM_001290355.3); c.3442G>A, p.Val1148Met (NM_001347994.1); short protein forms V1148M, V1219M, V1354M.
Identifiers: ClinVar variation 3770487 (VCV003770487.13).

ClinVar aggregate classification (germline): Likely benign (1 of 4 stars; one submission).

gnomAD v4.1: 4,013 of 1,614,152 alleles (0.25%); highest among the groups gnomAD compares: Middle Eastern, 0.91%; 8 homozygotes.

Submission:

CeGaT Center for Human Genetics Tuebingen
Classification: Likely benign. Last evaluated: 2025-02-01. Review status: criteria provided, single submitter. Criteria: CeGaT Center For Human Genetics Tuebingen Variant Classification Criteria Version 2. Collection method: clinical testing. Allele origin: germline. Affected: yes. Observed: 1 variant allele.
Comment: NWD1: BP4